The following is an entry in ClinVar:

NM_020632.3(ATP6V0A4):c.*73C>T

Gene: ATP6V0A4 (ATPase H+ transporting V0 subunit a4; minus strand). Cytogenetic location: 7q34.
Variant type: single nucleotide variant.
Coding change: c.*73C>T on transcript NM_020632.3 (MANE Select); 73 bases downstream of the stop codon, C replaced by T.
Molecular consequence: 3 prime UTR variant.
Genome position (GRCh38, 1-based): chr7:138,706,551, G>A on the plus strand (C>T on the coding strand, the complement: ATP6V0A4 is on the minus strand). VCF-style: chr7-138706551-G-A. GRCh37 (hg19) VCF-style: chr7-138391296-G-A.
Other names: c.*73C>T (NM_130840.3, NM_130841.3).
Identifiers: ClinVar variation 359002 (VCV000359002.5), dbSNP rs78419825, ClinGen allele CA10628335.

ClinVar aggregate classification (germline): Benign (1 of 4 stars; one submission).

Conditions:
Autosomal recessive distal renal tubular acidosis. Identifiers: Orphanet 402041, MedGen C1864498, MONDO:0018440.

Allele frequency attached by ClinVar (database versions not stated): gnomAD 0.00354 and 0.00418; TOPMed 0.00375; 1000 Genomes Project 30x 0.00874; 1000 Genomes Project 0.00899.
gnomAD v4.1: 3,159 of 1,562,486 alleles (0.2%); highest among the groups gnomAD compares: South Asian, 2.3%; 56 homozygotes.

Submission:

Illumina Laboratory Services, Illumina
Classification: Benign for Renal tubular acidosis, distal, 3, with or without sensorineural hearing loss. Last evaluated: 2018-01-13. Review status: criteria provided, single submitter. Criteria: ICSL Variant Classification Criteria 13 December 2019. Collection method: clinical testing. Allele origin: germline.
Comment: This variant was observed in the ICSL laboratory as part of a predisposition screen in an ostensibly healthy population. It had not been previously curated by ICSL or reported in the Human Gene Mutation Database (HGMD: prior to June 1st, 2018), and was therefore a candidate for classification through an automated scoring system. Utilizing variant allele frequency, disease prevalence and penetrance estimates, and inheritance mode, an automated score was calculated to assess if this variant is too frequent to cause the disease. Based on the score and internal cut-off values, a variant classified as benign is not then subjected to further curation. The score for this variant resulted in a classification of benign for this disease.